The following is an entry in ClinVar:

NM_007294.4(BRCA1):c.1380del (p.Phe461fs)

Gene: BRCA1 (BRCA1 DNA repair associated; minus strand). Cytogenetic location: 17q21.31.
Variant type: Deletion.
Coding change: c.1380del on transcript NM_007294.4 (MANE Select); coding-DNA position 1380, one base deleted (A; older notation c.1380delA).
Protein change: p.Phe461fs; shifts the reading frame from phenylalanine 461.
Molecular consequence: frameshift variant. On other transcripts: intron variant (137).
Genome position (GRCh38, 1-based): chr17:43,094,151, T deleted on the plus strand (A on the coding strand, the reverse complement: BRCA1 is on the minus strand). VCF-style (leftmost placement, unchanged base first): chr17-43094150-AT-A. GRCh37 (hg19) VCF-style: chr17-41246167-AT-A.
Other names: c.1257del, p.Phe420fs (NM_001407665.1, NM_001407666.1, NM_001407667.1 and 19 more transcripts); c.1254del, p.Phe419fs (NM_001407670.1, NM_001407671.1, NM_001407672.1 and 11 more transcripts); c.1380del, p.Phe461fs (NM_001407684.1, NM_001407854.1, NM_001407858.1 and 30 more transcripts); c.1239del, p.Phe414fs (NM_001407692.1, NM_001407694.1, NM_001407695.1 and 29 more transcripts); c.1236del, p.Phe413fs (NM_001407740.1, NM_001407741.1, NM_001407742.1 and 20 more transcripts); c.1167del, p.Phe390fs (NM_001407853.1, NM_001407894.1, NM_001407895.1 and 9 more transcripts); c.1377del, p.Phe460fs (NM_001407860.1, NM_001407861.1, NM_001407587.1 and 22 more transcripts); c.1179del, p.Phe394fs (NM_001407862.1); and 40 more; short protein forms F414fs, F461fs, F334fs, F372fs, F390fs, F435fs, F349fs, F373fs.
Identifiers: ClinVar variation 54225 (VCV000054225.2), dbSNP rs397508863, ClinGen allele CA000917.

ClinVar aggregate classification (germline): Pathogenic. Review status: reviewed by expert panel (3 of 4 stars). 2 submissions from 2 submitters: Pathogenic (1). 1 of the submissions does not count toward it. Last evaluated 2017-12-15.

Conditions:
Breast-ovarian cancer, familial, susceptibility to, 1 (BROVCA1). Also called: OVARIAN CANCER, SUSCEPTIBILITY TO; BRCA1 Hereditary Breast and Ovarian Cancer. Identifiers: Orphanet 145, MedGen C2676676, MONDO:0011450, OMIM 604370. Disease mechanism: loss of function.
Familial cancer of breast. Also called: Hereditary breast cancer; hereditary breast carcinoma; BREAST CANCER, FAMILIAL. Identifiers: Orphanet 227535, MedGen C0346153, MONDO:0016419, OMIM 114480. Disease mechanism: loss of function.

Submissions (2):

Evidence-based Network for the Interpretation of Germline Mutant Alleles (ENIGMA)
Classification: Pathogenic for Breast-ovarian cancer, familial, susceptibility to, 1. Last evaluated: 2017-12-15. Review status: reviewed by expert panel. Criteria: ENIGMA BRCA1/2 Classification Criteria (2017-06-29). Collection method: curation. Allele origin: germline. Study: ENIGMA.
Comment: Variant allele predicted to encode a truncated non-functional protein.

ClinVar Staff, National Center for Biotechnology Information (NCBI)
No classification provided. Condition: Familial cancer of breast. Review status: no classification provided. Collection method: literature only. Allele origin: germline. Affected: yes. Not counted in ClinVar's aggregate classification.

Literature cited by the submitters: PubMed 8808710 (cited by ClinVar Staff, National Center for Biotechnology Information (NCBI)).